The following is an entry in ClinVar:

NM_001206979.2(NR1H4):c.302C>T (p.Thr101Ile)

Gene: NR1H4 (nuclear receptor subfamily 1 group H member 4; plus strand). Cytogenetic location: 12q23.1.
Variant type: single nucleotide variant.
Coding change: c.302C>T on transcript NM_001206979.2 (MANE Select); coding-DNA position 302, C replaced by T.
Protein change: p.Thr101Ile; replaces threonine 101 with isoleucine.
Molecular consequence: missense variant. On other transcripts: non-coding transcript variant (1).
Genome position (GRCh38, 1-based): chr12:100,511,000, C>T. VCF-style: chr12-100511000-C-T. GRCh37 (hg19) VCF-style: chr12-100904778-C-T.
Other names: c.302C>T, p.Thr101Ile (NM_001206977.2, NM_001206978.2, NM_005123.4); c.332C>T, p.Thr111Ile (NM_001206992.2, NM_001206993.2); c.302C>T (NM_005123.3); short protein forms T101I, T111I.
Identifiers: ClinVar variation 498332 (VCV000498332.7), dbSNP rs200146597, ClinGen allele CA6739209.

ClinVar aggregate classification (germline): Uncertain significance. Review status: criteria provided, single submitter (1 of 4 stars). 2 submissions from 2 submitters: Uncertain significance (1). 1 of the submissions does not count toward it. Last evaluated 2017-12-19.

Conditions:
NR1H4-related disorder. Also called: NR1H4-related condition.

Allele frequency attached by ClinVar (database versions not stated): gnomAD 0.00004 and 0.00005; gnomAD exomes 0.00012 and 0.00025; TOPMed 0.00012; ExAC 0.00016; 1000 Genomes Project 0.00020; 1000 Genomes Project 30x 0.00031.
gnomAD v4.1: 79 of 1,614,228 alleles (0.0049%); highest among the groups gnomAD compares: Admixed American, 0.12%; no homozygotes.

Submissions (2):

Eurofins Ntd Llc (ga)
Classification: Uncertain significance. Last evaluated: 2017-12-19. Review status: criteria provided, single submitter. Criteria: EGL Classification Definitions 2015. Collection method: clinical testing. Allele origin: germline. Observed: 4 variant alleles, 4 heterozygotes.

PreventionGenetics, part of Exact Sciences
Classification: Likely benign for NR1H4-related condition. Last evaluated: 2023-05-22. Review status: no assertion criteria provided. Collection method: clinical testing. Allele origin: germline. Not counted in ClinVar's aggregate classification.
Comment: This variant is classified as likely benign based on ACMG/AMP sequence variant interpretation guidelines (Richards et al. 2015 PMID: 25741868, with internal and published modifications).